The following is an entry in ClinVar:

NM_014026.6(DCPS):c.40G>T (p.Glu14Ter)

Genes: DCPS (decapping enzyme, scavenger; plus strand), TIRAP-AS1 (TIRAP antisense RNA 1; minus strand), LOC130007028 (ATAC-STARR-seq lymphoblastoid silent region 4049; plus strand). Cytogenetic location: 11q24.2.
Variant type: single nucleotide variant.
Coding change: c.40G>T on transcript NM_014026.6 (MANE Select); coding-DNA position 40, G replaced by T.
Protein change: p.Glu14Ter; replaces glutamic acid 14 with a stop codon.
Molecular consequence: nonsense.
Genome position (GRCh38, 1-based): chr11:126,304,120, G>T. VCF-style: chr11-126304120-G-T. GRCh37 (hg19) VCF-style: chr11-126174015-G-T.
Other names: c.40G>T, p.Glu14Ter (NM_001350236.2); short protein forms E14*.
Identifiers: ClinVar variation 4852610 (VCV004852610.2).

ClinVar aggregate classification (germline): Likely pathogenic (1 of 4 stars; one submission).

gnomAD v4.1: 2 of 1,613,578 alleles (0.00012%); highest among the groups gnomAD compares: Admixed American, 0.0017%; no homozygotes.

Submission:

Dasa
Classification: Likely pathogenic. Last evaluated: 2025-05-30. Review status: criteria provided, single submitter. Criteria: DASA Assertion Criteria. Collection method: clinical testing. Allele origin: germline.
Comment: NM_014026.6(DCPS):c.40G>T (p.Glu14*) is a nonsense variant in DCPS predicted to introduce a premature termination codon and is predicted to result in an absent or altered protein product. Loss of function is an established disease mechanism for DCPS-associated disorders. Also, this variant is rare in population databases. Based on the currently available evidence, this variant is classified as likely pathogenic.